The following is an entry in ClinVar:

ClinVar aggregate classification (germline): Benign/Likely benign. Review status: criteria provided, multiple submitters, no conflicts (2 of 4 stars). 4 submissions from 4 submitters: Benign (1); Likely benign (3). Last evaluated 2024-10-03.

Conditions:
Hereditary cancer-predisposing syndrome. Also called: Neoplastic Syndromes, Hereditary; Tumor predisposition; Hereditary neoplastic syndrome; Hereditary Cancer Syndrome. Identifiers: Orphanet 140162, MedGen C0027672, MeSH D009386, MONDO:0015356.
Familial cancer of breast. Also called: BREAST CANCER, FAMILIAL; Hereditary breast cancer; hereditary breast carcinoma. Identifiers: Orphanet 227535, MedGen C0346153, MONDO:0016419, OMIM 114480. Disease mechanism: loss of function.

Allele frequency attached by ClinVar (database versions not stated): gnomAD exomes below 0.00001.
gnomAD v4.1: 5 of 1,597,914 alleles (0.00031%); highest among the groups gnomAD compares: Non-Finnish European, 0.00043%; no homozygotes.

Submissions (4):

Myriad Genetics, Inc.
Classification: Benign for Familial cancer of breast. Last evaluated: 2024-10-03. Review status: criteria provided, single submitter. Criteria: Myriad Autosomal Dominant, Autosomal Recessive and X-Linked Classification Criteria (2023). Collection method: clinical testing. Allele origin: unknown.
Comment: This variant is considered benign. This variant is a silent/synonymous amino acid change and it is not expected to impact splicing.

Ambry Genetics
Classification: Likely benign for Hereditary cancer-predisposing syndrome. Last evaluated: 2024-01-23. Review status: criteria provided, single submitter. Criteria: Ambry Variant Classification Scheme 2023. Collection method: clinical testing. Allele origin: germline.

Labcorp Genetics (formerly Invitae), Labcorp
Classification: Likely benign for Familial cancer of breast. Last evaluated: 2023-04-18. Review status: criteria provided, single submitter. Criteria: Invitae Variant Classification Sherloc (09022015). Collection method: clinical testing. Allele origin: germline.

Color Diagnostics, LLC DBA Color Health
Classification: Likely benign for Hereditary cancer-predisposing syndrome. Last evaluated: 2018-06-05. Review status: criteria provided, single submitter. Criteria: ACMG Guidelines, 2015. Collection method: clinical testing. Allele origin: germline.

NM_007194.4(CHEK2):c.642G>A (p.Lys214=)

Gene: CHEK2 (checkpoint kinase 2; minus strand). Cytogenetic location: 22q12.1.
Variant type: single nucleotide variant.
Coding change: c.642G>A on transcript NM_007194.4 (MANE Select); coding-DNA position 642, G replaced by A.
Protein change: p.Lys214=; no amino-acid change (lysine 214 retained).
Molecular consequence: synonymous variant. On other transcripts: 5 prime UTR variant (2), intron variant (1).
Genome position (GRCh38, 1-based): chr22:28,719,436, C>T on the plus strand (G>A on the coding strand, the complement: CHEK2 is on the minus strand). VCF-style: chr22-28719436-C-T. GRCh37 (hg19) VCF-style: chr22-29115424-C-T.
Other names: c.771G>A, p.Lys257= (NM_001005735.3, NM_001438294.1); c.-22G>A (NM_001257387.3, NM_001437942.1); c.735G>A, p.Lys245= (NM_001438293.1, NM_001438295.1); c.642G>A, p.Lys214= (NM_145862.3); c.482+5450G>A (NM_001349956.3).
Identifiers: ClinVar variation 628558 (VCV000628558.7), dbSNP rs1569149867, ClinGen allele CA513945251.